The following is an entry in ClinVar:

ClinVar aggregate classification (germline): Uncertain significance (1 of 4 stars; one submission).

Conditions:
Intellectual developmental disorder, autosomal dominant 65. Also called: MENTAL RETARDATION, AUTOSOMAL DOMINANT 65. Identifiers: MedGen C5543371, MONDO:0023657, OMIM 619320.

gnomAD v4.1: 1 of 1,613,068 alleles (0.000062%); highest among the groups gnomAD compares: Non-Finnish European, 0.000085%; no homozygotes.

Submission:

Laboratorio de Genetica e Diagnostico Molecular, Hospital Israelita Albert Einstein
Classification: Uncertain significance for Intellectual developmental disorder, autosomal dominant 65. Last evaluated: 2024-10-24. Review status: criteria provided, single submitter. Criteria: ACMG Guidelines, 2015. Collection method: clinical testing. Allele origin: germline. Affected: yes.
Comment: ACMG classification criteria: PM2 supporting, PP3 supporting

NM_015015.3(KDM4B):c.392C>T (p.Pro131Leu)

Gene: KDM4B (lysine demethylase 4B; plus strand). Cytogenetic location: 19p13.3.
Variant type: single nucleotide variant.
Coding change: c.392C>T on transcript NM_015015.3 (MANE Select); coding-DNA position 392, C replaced by T.
Protein change: p.Pro131Leu; replaces proline 131 with leucine.
Molecular consequence: missense variant.
Genome position (GRCh38, 1-based): chr19:5,041,211, C>T. VCF-style: chr19-5041211-C-T. GRCh37 (hg19) VCF-style: chr19-5041222-C-T.
Other names: c.392C>T, p.Pro131Leu (NM_001370093.1, NM_001370094.1, NM_001411148.1); short protein forms P131L.
Identifiers: ClinVar variation 4056540 (VCV004056540.1).